The following is an entry in ClinVar:

ClinVar aggregate classification (germline): Likely benign (0 of 4 stars; one submission).

Conditions:
SOX7-related disorder. Also called: SOX7-related condition.

Allele frequency attached by ClinVar (database versions not stated): gnomAD exomes below 0.00001; gnomAD 0.00001; ExAC 0.00002; 1000 Genomes Project 30x 0.00016; 1000 Genomes Project 0.00020.
gnomAD v4.1: 3 of 1,612,140 alleles (0.00019%); highest among the groups gnomAD compares: South Asian, 0.0011%; no homozygotes.

Submission:

PreventionGenetics, part of Exact Sciences
Classification: Likely benign for SOX7-related condition. Last evaluated: 2023-12-29. Review status: no assertion criteria provided. Collection method: clinical testing. Allele origin: germline.
Comment: This variant is classified as likely benign based on ACMG/AMP sequence variant interpretation guidelines (Richards et al. 2015 PMID: 25741868, with internal and published modifications).

NM_031439.4(SOX7):c.687C>T (p.Gly229=)

Gene: SOX7 (SRY-box transcription factor 7). Cytogenetic location: 8p23.1.
Variant type: single nucleotide variant.
Coding change: c.687C>T on transcript NM_031439.4 (MANE Select); coding-DNA position 687, C replaced by T.
Protein change: p.Gly229=; no amino-acid change (glycine 229 retained).
Molecular consequence: synonymous variant.
Genome position (GRCh38, 1-based): chr8:10,726,218, G>A on the plus strand (C>T on the coding strand, the complement: SOX7 is on the minus strand). VCF-style: chr8-10726218-G-A. GRCh37 (hg19) VCF-style: chr8-10583728-G-A.
Identifiers: ClinVar variation 3057923 (VCV003057923.2), dbSNP rs572384865, ClinGen allele CA4626513.